The following is an entry in ClinVar:

ClinVar aggregate classification (germline): Pathogenic. Review status: reviewed by expert panel (3 of 4 stars). 4 submissions from 4 submitters: Pathogenic (1). 3 of the submissions do not count toward it. Last evaluated 2017-12-15.

Conditions:
Hereditary cancer-predisposing syndrome. Also called: Hereditary Cancer Syndrome; Hereditary neoplastic syndrome; Neoplastic Syndromes, Hereditary; Tumor predisposition. Identifiers: Orphanet 140162, MedGen C0027672, MeSH D009386, MONDO:0015356.
Breast-ovarian cancer, familial, susceptibility to, 1 (BROVCA1). Also called: BRCA1 Hereditary Breast and Ovarian Cancer; OVARIAN CANCER, SUSCEPTIBILITY TO. Identifiers: Orphanet 145, MedGen C2676676, MONDO:0011450, OMIM 604370. Disease mechanism: loss of function.
BRCA1-related cancer predisposition. Identifiers: MedGen CN377757, MONDO:0700268.
Hereditary breast ovarian cancer syndrome. Also called: BRCA1- and BRCA2-Associated Hereditary Breast and Ovarian Cancer; Hereditary breast and ovarian cancer syndrome; Hereditary breast and ovarian cancer syndrome (HBOC); Breast and ovarian cancer; Hereditary breast and/or ovarian cancer syndrome; Hereditary breast and ovarian cancer. Identifiers: Orphanet 145, MedGen C0677776, MeSH D061325, MONDO:0003582. Disease mechanism: loss of function.

Submissions (4):

Evidence-based Network for the Interpretation of Germline Mutant Alleles (ENIGMA)
Classification: Pathogenic for Breast-ovarian cancer, familial, susceptibility to, 1. Last evaluated: 2017-12-15. Review status: reviewed by expert panel. Criteria: ENIGMA BRCA1/2 Classification Criteria (2017-06-29). Collection method: curation. Allele origin: germline. Study: ENIGMA.
Comment: Variant allele predicted to encode a truncated non-functional protein.

All of Us Research Program, National Institutes of Health
Classification: Pathogenic for BRCA1-related cancer predisposition. Last evaluated: 2024-09-03. Review status: criteria provided, single submitter. Criteria: ACMG Guidelines, 2015. Collection method: clinical testing. Allele origin: germline. Inheritance: Autosomal dominant inheritance. Observed: 1 variant allele, 1 heterozygote. Not counted in ClinVar's aggregate classification.
Comment: The c.5230del (p.Arg1744Glufs*21) variant in the BRCA1 gene is located on exon 19 and is predicted to shift the reading frame such that it introduces a premature translation termination codon resulting in an absent or disrupted protein product. This variant has been reported in an individual with breast cancer (PMID: 20104584). Truncating variants in BRCA1 gene are known to be pathogenic (PMID: 21989022, 17661172, 22762150). This variant has been classified as pathogenic by multiple submitters in ClinVar including the expert review panel (ID: 55470). Truncating variants within the same exon c.5231del, c.5234dup, c.5236del (ClinVar ID: 55471, 254464, 231997) have also been classified as pathogenic in ClinVar. This variant is absent in the general population database gnomAD (v2.1.1). Therefore, this variant is classified as pathogenic.

This study involves interpretation of variants in research participants for the purpose of population health screening. Participant phenotype was not available at the time of variant classification. Additional details can be found in publication PMID: 35346344, PMCID: PMC8962531

Labcorp Genetics (formerly Invitae), Labcorp
Classification: Pathogenic for Hereditary breast ovarian cancer syndrome. Last evaluated: 2021-08-27. Review status: criteria provided, single submitter. Criteria: Invitae Variant Classification Sherloc (09022015). Collection method: clinical testing. Allele origin: germline. Not counted in ClinVar's aggregate classification.
Comment: For these reasons, this variant has been classified as Pathogenic. ClinVar contains an entry for this variant (Variation ID: 55470). This premature translational stop signal has been observed in individual(s) with contralateral breast cancer (PMID: 20104584). This variant is not present in population databases (ExAC no frequency). This sequence change creates a premature translational stop signal (p.Arg1744Glufs*21) in the BRCA1 gene. It is expected to result in an absent or disrupted protein product. Loss-of-function variants in BRCA1 are known to be pathogenic (PMID: 20104584).

Ambry Genetics
Classification: Pathogenic for Hereditary cancer-predisposing syndrome. Last evaluated: 2018-10-06. Review status: criteria provided, single submitter. Criteria: Ambry Variant Classification Scheme 2023. Collection method: clinical testing. Allele origin: germline. Not counted in ClinVar's aggregate classification.
Comment: The c.5230delA pathogenic mutation, located in coding exon 18 of the BRCA1 gene, results from a deletion of one nucleotide at nucleotide position 5230, causing a translational frameshift with a predicted alternate stop codon (p.R1744Efs*21). In addition to the clinical data presented in the literature, this alteration is expected to result in loss of function by premature protein truncation or nonsense-mediated mRNA decay. As such, this alteration is interpreted as a disease-causing mutation.

Literature cited by the submitters: PubMed 17661172 (cited by All of Us Research Program, National Institutes of Health); PubMed 20104584 (cited by 3 submitters); PubMed 21989022 (cited by All of Us Research Program, National Institutes of Health); PubMed 22762150 (cited by All of Us Research Program, National Institutes of Health).

NM_007294.4(BRCA1):c.5230del (p.Arg1744fs)

Gene: BRCA1 (BRCA1 DNA repair associated; minus strand). Cytogenetic location: 17q21.31.
Variant type: Deletion.
Coding change: c.5230del on transcript NM_007294.4 (MANE Select); coding-DNA position 5230, one base deleted (A; older notation c.5230delA).
Protein change: p.Arg1744fs; shifts the reading frame from arginine 1744.
Molecular consequence: frameshift variant. On other transcripts: non-coding transcript variant (1).
Genome position (GRCh38, 1-based): chr17:43,057,099, T deleted on the plus strand (A on the coding strand, the reverse complement: BRCA1 is on the minus strand); the first of 2 consecutive T bases (chr17:43,057,099-43,057,100); deleting either gives the same sequence. VCF-style (leftmost placement, unchanged base first): chr17-43057098-CT-C. GRCh37 (hg19) VCF-style: chr17-41209115-CT-C.
Other names: c.5230delA (NM_007294.3); c.5016delA, p.Arg1673Glufs (NM_001407571.1, NM_001407894.1, NM_001407895.1 and 12 more transcripts); c.5295delA, p.Arg1766Glufs (NM_001407581.1, NM_001407582.1); c.5292delA, p.Arg1765Glufs (NM_001407583.1, NM_001407585.1, NM_001407587.1); c.5289delA, p.Arg1764Glufs (NM_001407590.1, NM_001407591.1); c.5229delA, p.Arg1744Glufs (NM_001407593.1, NM_001407594.1, NM_001407596.1 and 7 more transcripts); c.5226delA, p.Arg1743Glufs (NM_001407610.1, NM_001407611.1, NM_001407612.1 and 17 more transcripts); c.5223delA, p.Arg1742Glufs (NM_001407627.1, NM_001407628.1, NM_001407629.1 and 14 more transcripts); and 76 more; short protein forms R1765fs, R1744fs, R640fs, R1697fs.
Identifiers: ClinVar variation 55470 (VCV000055470.14), dbSNP rs397509240, ClinGen allele CA003374.